The following is an entry in ClinVar:

ClinVar aggregate classification (germline): Conflicting classifications of pathogenicity. Review status: criteria provided, conflicting classifications (1 of 4 stars). 2 submissions from 2 submitters: Uncertain significance (1); Likely benign (1). Last evaluated 2024-04-11.

Conditions:
Mosaic variegated aneuploidy syndrome 1 (MVA1). Also called: Warburton-Anyane-Yeboa syndrome. Identifiers: Orphanet 1052, MedGen C1850343, MONDO:0009759, OMIM 257300.

Allele frequency attached by ClinVar (database versions not stated): gnomAD 0.00001; TOPMed 0.00001.
gnomAD v4.1: 2 of 1,612,798 alleles (0.00012%); highest among the groups gnomAD compares: Non-Finnish European, 0.00017%; no homozygotes.

Submissions (2):

Blueprint Genetics
Classification: Likely benign. Last evaluated: 2024-04-11. Review status: criteria provided, single submitter. Criteria: ACMG Guidelines, 2015. Collection method: clinical testing. Allele origin: germline.

Labcorp Genetics (formerly Invitae), Labcorp
Classification: Uncertain significance for Mosaic variegated aneuploidy syndrome 1. Last evaluated: 2022-02-18. Review status: criteria provided, single submitter. Criteria: Invitae Variant Classification Sherloc (09022015). Collection method: clinical testing. Allele origin: germline.
Comment: This sequence change falls in intron 8 of the BUB1B gene. It does not directly change the encoded amino acid sequence of the BUB1B protein. It affects a nucleotide within the consensus splice site. This variant is not present in population databases (gnomAD no frequency). This variant has not been reported in the literature in individuals affected with BUB1B-related conditions. Variants that disrupt the consensus splice site are a relatively common cause of aberrant splicing (PMID: 17576681, 9536098). Algorithms developed to predict the effect of sequence changes on RNA splicing suggest that this variant is not likely to affect RNA splicing. In summary, the available evidence is currently insufficient to determine the role of this variant in disease. Therefore, it has been classified as a Variant of Uncertain Significance.

Literature cited by the submitters: PubMed 17576681 (cited by Labcorp Genetics (formerly Invitae), Labcorp); PubMed 9536098 (cited by Labcorp Genetics (formerly Invitae), Labcorp).

NM_001211.6(BUB1B):c.1059-3T>C

Gene: BUB1B (BUB1 mitotic checkpoint serine/threonine kinase B; plus strand). Cytogenetic location: 15q15.1.
Variant type: single nucleotide variant.
Coding change: c.1059-3T>C on transcript NM_001211.6 (MANE Select); 3 bases into the intron before coding-DNA position 1059, T replaced by C.
Molecular consequence: intron variant.
Genome position (GRCh38, 1-based): chr15:40,196,542, T>C. VCF-style: chr15-40196542-T-C. GRCh37 (hg19) VCF-style: chr15-40488743-T-C.
Identifiers: ClinVar variation 2173550 (VCV002173550.5), dbSNP rs1240037577, ClinGen allele CA712723556.
Genomic context (GRCh38, chr15:40,196,542, plus strand): 5'-TATCAATCTTATTGATTTTTTTTATTTTGACCCATATGAATAATAGTAATTTTGCTTCTT[T>C]AGGACACCATGTAAAATTGAACCTAGTATAAACCACATCCTAAGCACCAGAAAGCCTGGA-3'